The following is an entry in ClinVar:

ClinVar aggregate classification (germline): Uncertain significance (1 of 4 stars; one submission).

Submission:

Labcorp Genetics (formerly Invitae), Labcorp
Classification: Uncertain significance. Last evaluated: 2025-06-24. Review status: criteria provided, single submitter. Criteria: Invitae Variant Classification Sherloc (09022015). Collection method: clinical testing. Allele origin: germline.
Comment: This sequence change replaces threonine, which is neutral and polar, with methionine, which is neutral and non-polar, at codon 286 of the ABL1 protein (p.Thr286Met). This variant is present in population databases (no rsID available, gnomAD 0.003%). This variant has not been reported in the literature in individuals affected with ABL1-related conditions. ClinVar contains an entry for this variant (Variation ID: 3709285). Invitae Evidence Modeling of protein sequence and biophysical properties (such as structural, functional, and spatial information, amino acid conservation, physicochemical variation, residue mobility, and thermodynamic stability) indicates that this missense variant is expected to disrupt ABL1 protein function with a positive predictive value of 80%. In summary, the available evidence is currently insufficient to determine the role of this variant in disease. Therefore, it has been classified as a Variant of Uncertain Significance.

NM_005157.6(ABL1):c.800C>T (p.Thr267Met)

Gene: ABL1 (ABL proto-oncogene 1, non-receptor tyrosine kinase; plus strand). Cytogenetic location: 9q34.12.
Variant type: single nucleotide variant.
Coding change: c.800C>T on transcript NM_005157.6 (MANE Select); coding-DNA position 800, C replaced by T.
Protein change: p.Thr267Met; replaces threonine 267 with methionine.
Molecular consequence: missense variant.
Genome position (GRCh38, 1-based): chr9:130,863,013, C>T. VCF-style: chr9-130863013-C-T. GRCh37 (hg19) VCF-style: chr9-133738400-C-T.
Other names: c.857C>T, p.Thr286Met (NM_007313.3); short protein forms T286M, T267M.
Identifiers: ClinVar variation 3709285 (VCV003709285.2).
Genomic context (GRCh38, chr9:130,863,013, plus strand): 5'-AGCTGGGCGGGGGCCAGTACGGGGAGGTGTACGAGGGCGTGTGGAAGAAATACAGCCTGA[C>T]GGTGGCCGTGAAGACCTTGAAGGTAGGCTGGGACTGCCGGGGGTGCCCAGGGTACGTGGG-3'
Protein context (NP_005148.2, residues 257-277): YEGVWKKYSL[Thr267Met]VAVKTLKEDT